The following is an entry in ClinVar:

ClinVar aggregate classification (germline): Uncertain significance. Review status: criteria provided, multiple submitters, no conflicts (2 of 4 stars). 2 submissions from 2 submitters: Uncertain significance (2). Last evaluated 2025-07-09.

Conditions:
RP1L1-related disorder. Also called: RP1L1-related condition.
Inborn genetic diseases. Identifiers: MedGen C0950123, MeSH D030342.

Submissions (2):

PreventionGenetics, part of Exact Sciences
Classification: Uncertain significance for RP1L1-related condition. Last evaluated: 2025-07-09. Review status: criteria provided, single submitter. Criteria: ACMG Guidelines, 2015. Collection method: clinical testing. Allele origin: germline.
Comment: The RP1L1 c.3281A>C variant is predicted to result in the amino acid substitution p.Gln1094Pro. To our knowledge, this variant has not been reported in the literature or in a large population database (gnomAD), indicating this variant is rare. At this time, the clinical significance of this variant is uncertain due to the absence of conclusive functional and genetic evidence.

Ambry Genetics
Classification: Uncertain significance for Inborn genetic diseases. Last evaluated: 2024-09-30. Review status: criteria provided, single submitter. Criteria: Ambry Variant Classification Scheme 2023. Collection method: clinical testing. Allele origin: germline.

NM_178857.6(RP1L1):c.3281A>C (p.Gln1094Pro)

Gene: RP1L1 (RP1 like 1). Cytogenetic location: 8p23.1.
Variant type: single nucleotide variant.
Coding change: c.3281A>C on transcript NM_178857.6 (MANE Select); coding-DNA position 3281, A replaced by C.
Protein change: p.Gln1094Pro; replaces glutamine 1094 with proline.
Molecular consequence: missense variant.
Genome position (GRCh38, 1-based): chr8:10,610,817, T>G on the plus strand (A>C on the coding strand, the complement: RP1L1 is on the minus strand). VCF-style: chr8-10610817-T-G. GRCh37 (hg19) VCF-style: chr8-10468327-T-G.
Other names: short protein forms Q1094P.
Identifiers: ClinVar variation 3434942 (VCV003434942.2).